The following is an entry in ClinVar:

ClinVar aggregate classification (germline): Likely benign (0 of 4 stars; one submission).

Conditions:
EPB41-related disorder. Also called: EPB41-related condition.

Allele frequency attached by ClinVar (database versions not stated): gnomAD exomes 0.00003; TOPMed 0.00003; ExAC 0.00004; gnomAD 0.00005; ESP Exome Variant Server 0.00015.
gnomAD v4.1: 55 of 1,613,884 alleles (0.0034%); highest among the groups gnomAD compares: Non-Finnish European, 0.0045%; no homozygotes.

Submission:

PreventionGenetics, part of Exact Sciences
Classification: Likely benign for EPB41-related condition. Last evaluated: 2019-12-02. Review status: no assertion criteria provided. Collection method: clinical testing. Allele origin: germline.
Comment: This variant is classified as likely benign based on ACMG/AMP sequence variant interpretation guidelines (Richards et al. 2015 PMID: 25741868, with internal and published modifications).

NM_001376013.1(EPB41):c.829+8G>C

Gene: EPB41 (erythrocyte membrane protein band 4.1; plus strand). Cytogenetic location: 1p35.3.
Variant type: single nucleotide variant.
Coding change: c.829+8G>C on transcript NM_001376013.1 (MANE Select); 8 bases into the intron after coding-DNA position 829, G replaced by C.
Molecular consequence: intron variant.
Genome position (GRCh38, 1-based): chr1:29,011,915, G>C. VCF-style: chr1-29011915-G-C. GRCh37 (hg19) VCF-style: chr1-29338427-G-C.
Other names: c.202+8G>C (NM_203342.3, NM_004437.4, NM_001376022.1 and 7 more transcripts); c.829+8G>C (NM_001166005.2, NM_001376014.1, NM_001376015.1 and 7 more transcripts); c.724+8G>C (NM_203343.3).
Identifiers: ClinVar variation 3041170 (VCV003041170.2), dbSNP rs373720540, ClinGen allele CA724328.